The following is an entry in ClinVar:

ClinVar aggregate classification (germline): Uncertain significance (1 of 4 stars; one submission).

Allele frequency attached by ClinVar (database versions not stated): gnomAD exomes below 0.00001; gnomAD 0.00001; TOPMed 0.00003; 1000 Genomes Project 0.00020; 1000 Genomes Project 30x 0.00031.
gnomAD v4.1: 3 of 1,614,170 alleles (0.00019%); highest among the groups gnomAD compares: Admixed American, 0.005%; no homozygotes.

Submission:

Labcorp Genetics (formerly Invitae), Labcorp
Classification: Uncertain significance. Last evaluated: 2025-02-17. Review status: criteria provided, single submitter. Criteria: Invitae Variant Classification Sherloc (09022015). Collection method: clinical testing. Allele origin: germline.
Comment: This sequence change replaces histidine, which is basic and polar, with arginine, which is basic and polar, at codon 167 of the IRF4 protein (p.His167Arg). This variant is not present in population databases (gnomAD no frequency). This variant has not been reported in the literature in individuals affected with IRF4-related conditions. ClinVar contains an entry for this variant (Variation ID: 2193290). An algorithm developed to predict the effect of missense changes on protein structure and function (PolyPhen-2) suggests that this variant is likely to be tolerated. In summary, the available evidence is currently insufficient to determine the role of this variant in disease. Therefore, it has been classified as a Variant of Uncertain Significance.

NM_002460.4(IRF4):c.500A>G (p.His167Arg)

Gene: IRF4 (interferon regulatory factor 4; plus strand). Cytogenetic location: 6p25.3.
Variant type: single nucleotide variant.
Coding change: c.500A>G on transcript NM_002460.4 (MANE Select); coding-DNA position 500, A replaced by G.
Protein change: p.His167Arg; replaces histidine 167 with arginine.
Molecular consequence: missense variant. On other transcripts: non-coding transcript variant (1).
Genome position (GRCh38, 1-based): chr6:397,115, A>G. VCF-style: chr6-397115-A-G. GRCh37 (hg19) VCF-style: chr6-397115-A-G.
Other names: c.497A>G, p.His166Arg (NM_001195286.2); short protein forms H167R, H166R.
Identifiers: ClinVar variation 2193290 (VCV002193290.4), dbSNP rs200611169, ClinGen allele CA133332948.
Genomic context (GRCh38, chr6:397,115, plus strand): 5'-CCCCCGTCTCAATGCCAGTGCTTCTTATCTCAGCCTCTCCTGCACTCCTTTAGCAGGTTC[A>G]CAACTACATGATGCCACCCCTCGACCGAAGCTGGAGGGACTACGTCCCGGATCAGCCACA-3'
Protein context (NP_002451.2, residues 157-177): PYPSLPAQQV[His167Arg]NYMMPPLDRS